The following is an entry in ClinVar:

NM_003611.3(OFD1):c.2182G>A (p.Gly728Ser)

Gene: OFD1 (OFD1 centriole and centriolar satellite protein; plus strand). Cytogenetic location: Xp22.2.
Variant type: single nucleotide variant.
Coding change: c.2182G>A on transcript NM_003611.3 (MANE Select); coding-DNA position 2182, G replaced by A.
Protein change: p.Gly728Ser; replaces glycine 728 with serine.
Molecular consequence: missense variant.
Genome position (GRCh38, 1-based): chrX:13,760,642, G>A. VCF-style: chrX-13760642-G-A. GRCh37 (hg19) VCF-style: chrX-13778761-G-A.
Other names: c.2062G>A, p.Gly688Ser (NM_001330209.2); c.1762G>A, p.Gly588Ser (NM_001330210.2); short protein forms G688S, G728S, G588S.
Identifiers: ClinVar variation 2932017 (VCV002932017.3), dbSNP rs751087017, ClinGen allele CA10351943.
Genomic context (GRCh38, chrX:13,760,642, plus strand): 5'-GAAGAAAGGAATGACGTCGTGGAAGCACTGACAGGCAGTGCAGCCTCGAGGCTCCGCGGG[G>A]GCACTTCCTCCAGACGCCTCTCTTCCACACCCCTTCCAAAAGCAAAAAGAAGCCTCGAAA-3'
Protein context (NP_003602.1, residues 718-738): TGSAASRLRG[Gly728Ser]TSSRRLSSTP

ClinVar aggregate classification (germline): Uncertain significance (1 of 4 stars; one submission).

Conditions:
Joubert syndrome. Also called: CEREBELLOPARENCHYMAL DISORDER IV; JOUBERT-BOLTSHAUSER SYNDROME; Familial aplasia of the vermis. Identifiers: Orphanet 475, MedGen C5979921, MONDO:0018772.
Orofaciodigital syndrome I (OFD1). Also called: OFDS I; Papillon-Leage and Psaume Syndrome; Oral-Facial-Digital Syndrome Type I. Identifiers: Orphanet 2750, MedGen C1510460, MONDO:0010702, OMIM 311200.

Allele frequency attached by ClinVar (database versions not stated): gnomAD exomes 0.00001; TOPMed 0.00001; ExAC 0.00002; gnomAD 0.00002.
gnomAD v4.1: 9 of 1,209,407 alleles (0.00074%); highest among the groups gnomAD compares: Admixed American, 0.0065%; no homozygotes.

Submission:

Labcorp Genetics (formerly Invitae), Labcorp
Classification: Uncertain significance for Orofaciodigital syndrome I; Joubert syndrome. Last evaluated: 2025-09-08. Review status: criteria provided, single submitter. Criteria: Invitae Variant Classification Sherloc (09022015). Collection method: clinical testing. Allele origin: germline.
Comment: This sequence change replaces glycine, which is neutral and non-polar, with serine, which is neutral and polar, at codon 728 of the OFD1 protein (p.Gly728Ser). This variant is present in population databases (rs751087017, gnomAD 0.01%). This variant has not been reported in the literature in individuals affected with OFD1-related conditions. ClinVar contains an entry for this variant (Variation ID: 2932017). Invitae Evidence Modeling of protein sequence and biophysical properties (such as structural, functional, and spatial information, amino acid conservation, physicochemical variation, residue mobility, and thermodynamic stability) indicates that this missense variant is not expected to disrupt OFD1 protein function with a negative predictive value of 80%. In summary, the available evidence is currently insufficient to determine the role of this variant in disease. Therefore, it has been classified as a Variant of Uncertain Significance.